The following is an entry in ClinVar:

NM_000169.3(GLA):c.635_639del (p.Gln212fs)

Genes: GLA (galactosidase alpha; minus strand), RPL36A-HNRNPH2 (RPL36A-HNRNPH2 readthrough; plus strand). Cytogenetic location: Xq22.1.
Variant type: Deletion.
Coding change: c.635_639del on transcript NM_000169.3 (MANE Select); coding-DNA positions 635 to 639, 5 bases deleted (AAAAG; older notation c.635_639delAAAAG).
Protein change: p.Gln212fs; shifts the reading frame from glutamine 212.
Molecular consequence: frameshift variant. On other transcripts: non-coding transcript variant (2), intron variant (2).
Genome position (GRCh38, 1-based): chrX:101,400,666-101,400,670, CTTTT deleted on the plus strand (AAAAG on the coding strand, the reverse complement: GLA is on the minus strand). VCF-style (leftmost placement, unchanged base first): chrX-101400665-CCTTTT-C. GRCh37 (hg19) VCF-style: chrX-100655653-CCTTTT-C.
Other names: c.758_762del, p.Gln253fs (NM_001406747.1); c.635_639del, p.Gln212fs (NM_001406748.1); c.300+5209_300+5213del (NM_001199973.2); c.177+8844_177+8848del (NM_001199974.2); short protein forms Q212fs, Q253fs.
Identifiers: ClinVar variation 4974902 (VCV004974902.1).

ClinVar aggregate classification (germline): Pathogenic (1 of 4 stars; one submission).

Conditions:
Fabry disease. Also called: Fabry's disease; ALPHA-GALACTOSIDASE A DEFICIENCY; ANDERSON-FABRY DISEASE; CERAMIDE TRIHEXOSIDASE DEFICIENCY; GLA DEFICIENCY; HEREDITARY DYSTOPIC LIPIDOSIS. Identifiers: Orphanet 324, MedGen C0002986, MONDO:0010526, OMIM 301500, HP:0001071. Disease mechanism: Fabry disease is due to inactivating mutations in the X-linked GLA gene resulting in deficiency of the enzyme Alpha Galactosidase-A., loss of function.

Submission:

Genomenon, Inc
Classification: Pathogenic for Fabry disease. Last evaluated: 2026-09-08. Review status: criteria provided, single submitter. Criteria: Genomenon Sequence Variant Interpretation Standards - Updated. Collection method: curation. Allele origin: germline. Affected: yes.
Comment: GLA p.Gln212ProfsTer18 (c.635_639del) is a frameshift variant that is predicted to introduce a premature termination codon and result in a truncated or absent protein product. This variant has been observed in at least one proband with clinical features consistent with Fabry disease (PMID:33844184). It is absent or not present at a significant frequency in gnomAD. In conclusion, we classify GLA p.Gln212ProfsTer18 (c.635_639del) as a pathogenic variant.

Literature cited by the submitters: PubMed 33844184.